The following is an entry in ClinVar:

NM_020937.4(FANCM):c.5722A>T (p.Thr1908Ser)

Gene: FANCM (FA complementation group M; plus strand). Cytogenetic location: 14q21.2.
Variant type: single nucleotide variant.
Coding change: c.5722A>T on transcript NM_020937.4 (MANE Select); coding-DNA position 5722, A replaced by T.
Protein change: p.Thr1908Ser; replaces threonine 1908 with serine.
Molecular consequence: missense variant.
Genome position (GRCh38, 1-based): chr14:45,198,649, A>T. VCF-style: chr14-45198649-A-T. GRCh37 (hg19) VCF-style: chr14-45667852-A-T.
Other names: c.5644A>T, p.Thr1882Ser (NM_001308133.2); short protein forms T1882S, T1908S.
Identifiers: ClinVar variation 4619463 (VCV004619463.1).

ClinVar aggregate classification (germline): Uncertain significance (1 of 4 stars; one submission).

Conditions:
Inborn genetic diseases. Identifiers: MedGen C0950123, MeSH D030342.

Submission:

Ambry Genetics
Classification: Uncertain significance for Inborn genetic diseases. Last evaluated: 2025-10-02. Review status: criteria provided, single submitter. Criteria: Ambry Variant Classification Scheme 2023. Collection method: clinical testing. Allele origin: germline.
Comment: The p.T1908S variant (also known as c.5722A>T), located in coding exon 22 of the FANCM gene, results from an A to T substitution at nucleotide position 5722. The threonine at codon 1908 is replaced by serine, an amino acid with similar properties. This amino acid position is conserved. In addition, this alteration is predicted to be tolerated by in silico analysis. Based on the available evidence, the clinical significance of this variant remains unclear.